The following is an entry in ClinVar:

ClinVar aggregate classification (germline): Uncertain significance (1 of 4 stars; one submission).

Submission:

Labcorp Genetics (formerly Invitae), Labcorp
Classification: Uncertain significance. Last evaluated: 2025-05-31. Review status: criteria provided, single submitter. Criteria: Invitae Variant Classification Sherloc (09022015). Collection method: clinical testing. Allele origin: germline.
Comment: This sequence change replaces tyrosine, which is neutral and polar, with cysteine, which is neutral and slightly polar, at codon 286 of the FGFRL1 protein (p.Tyr286Cys). This variant is not present in population databases (gnomAD no frequency). This variant has not been reported in the literature in individuals affected with FGFRL1-related conditions. An algorithm developed to predict the effect of missense changes on protein structure and function (PolyPhen-2) suggests that this variant is likely to be disruptive. In summary, the available evidence is currently insufficient to determine the role of this variant in disease. Therefore, it has been classified as a Variant of Uncertain Significance.

NM_001004356.3(FGFRL1):c.857A>G (p.Tyr286Cys)

Gene: FGFRL1 (fibroblast growth factor receptor like 1; plus strand). Cytogenetic location: 4p16.3.
Variant type: single nucleotide variant.
Coding change: c.857A>G on transcript NM_001004356.3 (MANE Select); coding-DNA position 857, A replaced by G.
Protein change: p.Tyr286Cys; replaces tyrosine 286 with cysteine.
Molecular consequence: missense variant.
Genome position (GRCh38, 1-based): chr4:1,024,449, A>G. VCF-style: chr4-1024449-A-G. GRCh37 (hg19) VCF-style: chr4-1018237-A-G.
Other names: c.857A>G, p.Tyr286Cys (NM_001004358.1, NM_001370296.1, NM_021923.3); short protein forms Y286C.
Identifiers: ClinVar variation 4697298 (VCV004697298.1).